The following is an entry in ClinVar:

ClinVar aggregate classification (germline): Benign. Review status: criteria provided, multiple submitters, no conflicts (2 of 4 stars). 4 submissions from 3 submitters: Benign (4). Last evaluated 2018-06-24.

Conditions:
Usher syndrome type 2D. Also called: USHER SYNDROME, TYPE IID. Identifiers: Orphanet 231178, Orphanet 886, MedGen C1568249, MONDO:0012662, OMIM 611383.
Autosomal recessive nonsyndromic hearing loss 31. Also called: WHIRLER, MOUSE, HOMOLOG OF. Identifiers: Orphanet 90636, MedGen C1846839, MONDO:0011767, OMIM 607084.

Allele frequency attached by ClinVar (database versions not stated): 1000 Genomes Project 0.25539; 1000 Genomes Project 30x 0.25843; TOPMed 0.30838; gnomAD 0.32606 and 0.33038; gnomAD exomes 0.36005.
gnomAD v4.1: 470,283 of 1,325,342 alleles (35%); highest among the groups gnomAD compares: Non-Finnish European, 37%; 85,558 homozygotes.

Submissions (4):

GeneDx
Classification: Benign. Last evaluated: 2018-06-24. Review status: criteria provided, single submitter. Criteria: GeneDx Variant Classification Process June 2021. Collection method: clinical testing. Allele origin: germline. Affected: yes.

Illumina Laboratory Services, Illumina
Classification: Benign for Autosomal recessive nonsyndromic hearing loss 31. Last evaluated: 2018-01-13. Review status: criteria provided, single submitter. Criteria: ICSL Variant Classification Criteria 13 December 2019. Collection method: clinical testing. Allele origin: germline.
Comment: This variant was observed in the ICSL laboratory as part of a predisposition screen in an ostensibly healthy population. It had not been previously curated by ICSL or reported in the Human Gene Mutation Database (HGMD: prior to June 1st, 2018), and was therefore a candidate for classification through an automated scoring system. Utilizing variant allele frequency, disease prevalence and penetrance estimates, and inheritance mode, an automated score was calculated to assess if this variant is too frequent to cause the disease. Based on the score and internal cut-off values, a variant classified as benign is not then subjected to further curation. The score for this variant resulted in a classification of benign for this disease.

Illumina Laboratory Services, Illumina
Classification: Benign for Usher syndrome type 2D. Last evaluated: 2018-01-13. Review status: criteria provided, single submitter. Criteria: ICSL Variant Classification Criteria 13 December 2019. Collection method: clinical testing. Allele origin: germline.
Comment: the same text as in the submission from Illumina Laboratory Services, Illumina above.

Breakthrough Genomics
Classification: Benign. Review status: criteria provided, single submitter. Criteria: ACMG Guidelines, 2015. Collection method: not provided. Allele origin: germline. Inheritance: Autosomal recessive inheritance. Affected: yes.

NM_015404.4(WHRN):c.-91C>T

Gene: WHRN (whirlin; minus strand). Cytogenetic location: 9q32.
Variant type: single nucleotide variant.
Coding change: c.-91C>T on transcript NM_015404.4 (MANE Select); 91 bases upstream of the start codon, C replaced by T.
Molecular consequence: 5 prime UTR variant.
Genome position (GRCh38, 1-based): chr9:114,504,892, G>A on the plus strand (C>T on the coding strand, the complement: WHRN is on the minus strand). VCF-style: chr9-114504892-G-A. GRCh37 (hg19) VCF-style: chr9-117267172-G-A.
Other names: c.-91C>T (NM_001173425.2).
Identifiers: ClinVar variation 364700 (VCV000364700.9), dbSNP rs2297814, ClinGen allele CA10632346.